The following is an entry in ClinVar:

ClinVar aggregate classification (germline): Uncertain significance. Review status: criteria provided, multiple submitters, no conflicts (2 of 4 stars). 2 submissions from 2 submitters: Uncertain significance (2). Last evaluated 2025-01-27.

Conditions:
Mucolipidosis type IV (ML4). Also called: ML IV. Identifiers: Orphanet 578, MedGen C0238286, MONDO:0009653, OMIM 252650.
Inborn genetic diseases. Identifiers: MedGen C0950123, MeSH D030342.

Allele frequency attached by ClinVar (database versions not stated): ExAC 0.00001; gnomAD 0.00001; gnomAD exomes 0.00001; TOPMed 0.00001.
gnomAD v4.1: 13 of 1,614,032 alleles (0.00081%); highest among the groups gnomAD compares: South Asian, 0.0055%; no homozygotes.

Submissions (2):

Ambry Genetics
Classification: Uncertain significance for Inborn genetic diseases. Last evaluated: 2025-01-27. Review status: criteria provided, single submitter. Criteria: Ambry Variant Classification Scheme 2023. Collection method: clinical testing. Allele origin: germline.

Labcorp Genetics (formerly Invitae), Labcorp
Classification: Uncertain significance for Mucolipidosis type IV. Last evaluated: 2024-09-12. Review status: criteria provided, single submitter. Criteria: Invitae Variant Classification Sherloc (09022015). Collection method: clinical testing. Allele origin: germline.
Comment: This sequence change replaces arginine, which is basic and polar, with tryptophan, which is neutral and slightly polar, at codon 347 of the MCOLN1 protein (p.Arg347Trp). This variant is present in population databases (rs761058436, gnomAD 0.0009%). This variant has not been reported in the literature in individuals affected with MCOLN1-related conditions. ClinVar contains an entry for this variant (Variation ID: 1773523). Invitae Evidence Modeling of protein sequence and biophysical properties (such as structural, functional, and spatial information, amino acid conservation, physicochemical variation, residue mobility, and thermodynamic stability) indicates that this missense variant is expected to disrupt MCOLN1 protein function with a positive predictive value of 95%. In summary, the available evidence is currently insufficient to determine the role of this variant in disease. Therefore, it has been classified as a Variant of Uncertain Significance.

NM_020533.3(MCOLN1):c.1039C>T (p.Arg347Trp)

Gene: MCOLN1 (mucolipin TRP cation channel 1; plus strand). Cytogenetic location: 19p13.2.
Variant type: single nucleotide variant.
Coding change: c.1039C>T on transcript NM_020533.3 (MANE Select); coding-DNA position 1039, C replaced by T.
Protein change: p.Arg347Trp; replaces arginine 347 with tryptophan.
Molecular consequence: missense variant.
Genome position (GRCh38, 1-based): chr19:7,528,875, C>T. VCF-style: chr19-7528875-C-T. GRCh37 (hg19) VCF-style: chr19-7593761-C-T.
Other names: short protein forms R347W.
Identifiers: ClinVar variation 1773523 (VCV001773523.5), dbSNP rs761058436, ClinGen allele CA9139009.